The following is an entry in ClinVar:

ClinVar aggregate classification (germline): Uncertain significance. Review status: criteria provided, multiple submitters, no conflicts (2 of 4 stars). 2 submissions from 2 submitters: Uncertain significance (2). Last evaluated 2025-09-13.

Conditions:
Cystic fibrosis (CF). Also called: MUCOVISCIDOSIS. Identifiers: Orphanet 586, MedGen C0010674, MONDO:0009061, OMIM 219700. Disease mechanism: loss of function.

Submissions (2):

Ambry Genetics
Classification: Uncertain significance for Cystic fibrosis. Last evaluated: 2025-09-13. Review status: criteria provided, single submitter. Criteria: Ambry Variant Classification Scheme 2023. Collection method: clinical testing. Allele origin: germline.
Comment: The p.Q1281P variant (also known as c.3842A>C), located in coding exon 23 of the CFTR gene, results from an A to C substitution at nucleotide position 3842. The glutamine at codon 1281 is replaced by proline, an amino acid with similar properties. This amino acid position is conserved. In addition, this alteration is predicted to be deleterious by in silico analysis. Since supporting evidence is limited at this time, the clinical significance of this alteration remains unclear.

Labcorp Genetics (formerly Invitae), Labcorp
Classification: Uncertain significance for Cystic fibrosis. Last evaluated: 2025-06-04. Review status: criteria provided, single submitter. Criteria: Invitae Variant Classification Sherloc (09022015). Collection method: clinical testing. Allele origin: germline.
Comment: This sequence change replaces glutamine, which is neutral and polar, with proline, which is neutral and non-polar, at codon 1281 of the CFTR protein (p.Gln1281Pro). This variant is not present in population databases (gnomAD no frequency). This variant has not been reported in the literature in individuals affected with CFTR-related conditions. ClinVar contains an entry for this variant (Variation ID: 2567875). Invitae Evidence Modeling of protein sequence and biophysical properties (such as structural, functional, and spatial information, amino acid conservation, physicochemical variation, residue mobility, and thermodynamic stability) indicates that this missense variant is not expected to disrupt CFTR protein function with a negative predictive value of 80%. In summary, the available evidence is currently insufficient to determine the role of this variant in disease. Therefore, it has been classified as a Variant of Uncertain Significance.

NM_000492.4(CFTR):c.3842A>C (p.Gln1281Pro)

Genes: CFTR (CF transmembrane conductance regulator; plus strand), CFTR-AS2 (CFTR antisense RNA 2; minus strand). Cytogenetic location: 7q31.2.
Variant type: single nucleotide variant.
Coding change: c.3842A>C on transcript NM_000492.4 (MANE Select); coding-DNA position 3842, A replaced by C.
Protein change: p.Gln1281Pro; replaces glutamine 1281 with proline.
Molecular consequence: missense variant.
Genome position (GRCh38, 1-based): chr7:117,642,562, A>C. VCF-style: chr7-117642562-A-C. GRCh37 (hg19) VCF-style: chr7-117282616-A-C.
Other names: short protein forms Q1281P.
Identifiers: ClinVar variation 2567875 (VCV002567875.4), dbSNP rs752127256, ClinGen allele CA368975428.